The following is an entry in ClinVar:

NM_206933.4(USH2A):c.12383A>G (p.Tyr4128Cys)

Gene: USH2A (usherin; minus strand). Cytogenetic location: 1q41.
Variant type: single nucleotide variant.
Coding change: c.12383A>G on transcript NM_206933.4 (MANE Select); coding-DNA position 12383, A replaced by G.
Protein change: p.Tyr4128Cys; replaces tyrosine 4128 with cysteine.
Molecular consequence: missense variant.
Genome position (GRCh38, 1-based): chr1:215,675,528, T>C on the plus strand (A>G on the coding strand, the complement: USH2A is on the minus strand). VCF-style: chr1-215675528-T-C. GRCh37 (hg19) VCF-style: chr1-215848870-T-C.
Other names: short protein forms Y4128C.
Identifiers: ClinVar variation 1471178 (VCV001471178.8), dbSNP rs2102667066, ClinGen allele CA344851081.
Genomic context (GRCh38, chr1:215,675,528, plus strand): 5'-AGAGGCTGAGGCGCCGAGTGTGCACAACCTGCTCTGGTGCAGGCCTCCAGGGTCAGTGTG[T>C]AGAGAGTGAAAGGATCCAGGCGGCGGAAGAGAAACTGACGATTCAAACCAGAGTACTCCA-3'
Protein context (NP_996816.3, residues 4118-4138): LFRRLDPFTL[Tyr4128Cys]TLTLEACTRA

ClinVar aggregate classification (germline): Likely pathogenic (1 of 4 stars; one submission).

Allele frequency attached by ClinVar (database versions not stated): gnomAD exomes below 0.00001.
gnomAD v4.1: 1 of 1,613,858 alleles (0.000062%); highest among the groups gnomAD compares: Non-Finnish European, 0.000085%; no homozygotes.

Submission:

Labcorp Genetics (formerly Invitae), Labcorp
Classification: Likely pathogenic. Last evaluated: 2024-05-06. Review status: criteria provided, single submitter. Criteria: Invitae Variant Classification Sherloc (09022015). Collection method: clinical testing. Allele origin: germline.
Comment: This sequence change replaces tyrosine, which is neutral and polar, with cysteine, which is neutral and slightly polar, at codon 4128 of the USH2A protein (p.Tyr4128Cys). This variant is not present in population databases (gnomAD no frequency). This missense change has been observed in individuals with inherited retinal dystrophy and/or retinitis pigmentosa (PMID: 33105608; Invitae). ClinVar contains an entry for this variant (Variation ID: 1471178). Advanced modeling of protein sequence and biophysical properties (such as structural, functional, and spatial information, amino acid conservation, physicochemical variation, residue mobility, and thermodynamic stability) performed at Invitae indicates that this missense variant is expected to disrupt USH2A protein function with a positive predictive value of 95%. In summary, the currently available evidence indicates that the variant is pathogenic, but additional data are needed to prove that conclusively. Therefore, this variant has been classified as Likely Pathogenic.

Literature cited by the submitters: PubMed 33105608.